The following is an entry in ClinVar:

NM_004629.2(FANCG):c.592C>A (p.Gln198Lys)

Gene: FANCG (FA complementation group G; minus strand). Cytogenetic location: 9p13.3.
Variant type: single nucleotide variant.
Coding change: c.592C>A on transcript NM_004629.2 (MANE Select); coding-DNA position 592, C replaced by A.
Protein change: p.Gln198Lys; replaces glutamine 198 with lysine.
Molecular consequence: missense variant.
Genome position (GRCh38, 1-based): chr9:35,077,318, G>T on the plus strand (C>A on the coding strand, the complement: FANCG is on the minus strand). VCF-style: chr9-35077318-G-T. GRCh37 (hg19) VCF-style: chr9-35077315-G-T.
Other names: short protein forms Q198K.
Identifiers: ClinVar variation 4022552 (VCV004022552.1).

ClinVar aggregate classification (germline): Uncertain significance (1 of 4 stars; one submission).

Conditions:
Inborn genetic diseases. Identifiers: MedGen C0950123, MeSH D030342.

Submission:

Ambry Genetics
Classification: Uncertain significance for Inborn genetic diseases. Last evaluated: 2025-06-07. Review status: criteria provided, single submitter. Criteria: Ambry Variant Classification Scheme 2023. Collection method: clinical testing. Allele origin: germline.
Comment: The p.Q198K variant (also known as c.592C>A), located in coding exon 5 of the FANCG gene, results from a C to A substitution at nucleotide position 592. The glutamine at codon 198 is replaced by lysine, an amino acid with similar properties. This amino acid position is conserved. In addition, this alteration is predicted to be deleterious by in silico analysis. Based on the available evidence, the clinical significance of this variant remains unclear.